The following is an entry in ClinVar:

ClinVar aggregate classification (germline): Uncertain significance (1 of 4 stars; one submission).

Conditions:
Charcot-Marie-Tooth disease axonal type 2U. Also called: CHARCOT-MARIE-TOOTH NEUROPATHY, TYPE 2U; CHARCOT-MARIE-TOOTH DISEASE, AXONAL, AUTOSOMAL DOMINANT, TYPE 2U. Identifiers: Orphanet 397735, MedGen C4084821, MONDO:0014566, OMIM 616280.
Severe early-onset pulmonary alveolar proteinosis due to MARS deficiency. Also called: PULMONARY ALVEOLAR PROTEINOSIS, REUNION ISLAND; Interstitial lung and liver disease. Identifiers: Orphanet 440427, MedGen C4225400, MONDO:0014206, OMIM 615486.

Submission:

Labcorp Genetics (formerly Invitae), Labcorp
Classification: Uncertain significance for Charcot-Marie-Tooth disease axonal type 2U; Severe early-onset pulmonary alveolar proteinosis due to MARS deficiency. Last evaluated: 2023-05-10. Review status: criteria provided, single submitter. Criteria: Invitae Variant Classification Sherloc (09022015). Collection method: clinical testing. Allele origin: germline.
Comment: This variant has not been reported in the literature in individuals affected with MARS-related conditions. This variant is not present in population databases (gnomAD no frequency). This sequence change replaces isoleucine, which is neutral and non-polar, with valine, which is neutral and non-polar, at codon 343 of the MARS protein (p.Ile343Val). In summary, the available evidence is currently insufficient to determine the role of this variant in disease. Therefore, it has been classified as a Variant of Uncertain Significance. An algorithm developed to predict the effect of missense changes on protein structure and function (PolyPhen-2) suggests that this variant is likely to be tolerated.

NM_004990.4(MARS1):c.1027A>G (p.Ile343Val)

Gene: MARS1 (methionyl-tRNA synthetase 1; plus strand). Cytogenetic location: 12q13.3.
Variant type: single nucleotide variant.
Coding change: c.1027A>G on transcript NM_004990.4 (MANE Select); coding-DNA position 1027, A replaced by G.
Protein change: p.Ile343Val; replaces isoleucine 343 with valine.
Molecular consequence: missense variant.
Genome position (GRCh38, 1-based): chr12:57,498,559, A>G. VCF-style: chr12-57498559-A-G. GRCh37 (hg19) VCF-style: chr12-57892342-A-G.
Other names: short protein forms I343V.
Identifiers: ClinVar variation 2923476 (VCV002923476.3), dbSNP rs2540287006, ClinGen allele CA385456065.